The following is an entry in ClinVar:

ClinVar aggregate classification (germline): Benign/Likely benign. Review status: criteria provided, multiple submitters, no conflicts (2 of 4 stars). 13 submissions from 12 submitters: Benign (5); Likely benign (5). 3 of the submissions do not count toward it. Last evaluated 2026-09-01.

Conditions:
Hereditary spastic paraplegia 43. Also called: Spastic paraplegia 43, autosomal recessive. Identifiers: Orphanet 320370, MedGen C2680446, MONDO:0014024, OMIM 615043.
Hereditary spastic paraplegia. Also called: Familial spastic paraparesis. Identifiers: Orphanet 685, MedGen C0037773, MONDO:0019064. Disease mechanism: loss of function.
Neurodegeneration with brain iron accumulation 4 (NBIA4). Also called: MITOCHONDRIAL PROTEIN-ASSOCIATED NEURODEGENERATION. Identifiers: Orphanet 289560, MedGen C3280371, MONDO:0013674, OMIM 614298. Disease mechanism: loss of function.

Allele frequency attached by ClinVar (database versions not stated): 1000 Genomes Project 30x 0.00078; 1000 Genomes Project 0.00080; ExAC 0.00361; gnomAD 0.00404 and 0.00414; TOPMed 0.00405; ESP Exome Variant Server 0.00509.
gnomAD v4.1: 10,223 of 1,614,144 alleles (0.63%); highest among the groups gnomAD compares: Non-Finnish European, 0.8%; 50 homozygotes.

Submissions (13):

CeGaT Center for Human Genetics Tuebingen
Classification: Likely benign. Last evaluated: 2026-09-01. Review status: criteria provided, single submitter. Criteria: CeGaT Center For Human Genetics Tuebingen Variant Classification Criteria Version 2. Collection method: clinical testing. Allele origin: germline. Affected: yes. Observed: 24 variant alleles.
Comment: C19orf12: BP4, BP7, BS2

Labcorp Genetics (formerly Invitae), Labcorp
Classification: Benign for Hereditary spastic paraplegia 43. Last evaluated: 2026-01-28. Review status: criteria provided, single submitter. Criteria: Invitae Variant Classification Sherloc (09022015). Collection method: clinical testing. Allele origin: germline.

Blueprint Genetics
Classification: Likely benign. Last evaluated: 2024-11-18. Review status: criteria provided, single submitter. Criteria: ACMG Guidelines, 2015. Collection method: clinical testing. Allele origin: germline.

Mayo Clinic Laboratories, Mayo Clinic
Classification: Benign. Last evaluated: 2023-10-02. Review status: criteria provided, single submitter. Criteria: ACMG Guidelines, 2015. Collection method: clinical testing. Allele origin: germline. Observed: 14 variant alleles.
Comment: BS1, BS2, BP4, BP7

Genome Diagnostics Laboratory, The Hospital for Sick Children
Classification: Benign for Hereditary spastic paraplegia. Last evaluated: 2020-10-15. Review status: criteria provided, single submitter. Criteria: ACMG Guidelines, 2015. Collection method: clinical testing. Allele origin: germline. Affected: yes.

GeneDx
Classification: Benign. Last evaluated: 2019-09-27. Review status: criteria provided, single submitter. Criteria: GeneDx Variant Classification Process June 2021. Collection method: clinical testing. Allele origin: germline. Affected: yes.

Illumina Laboratory Services, Illumina
Classification: Likely benign for Neurodegeneration with brain iron accumulation 4. Last evaluated: 2018-01-13. Review status: criteria provided, single submitter. Criteria: ICSL Variant Classification Criteria 13 December 2019. Collection method: clinical testing. Allele origin: germline.
Comment: This variant was observed in the ICSL laboratory as part of a predisposition screen in an ostensibly healthy population. It had not been previously curated by ICSL or reported in the Human Gene Mutation Database (HGMD: prior to June 1st, 2018), and was therefore a candidate for classification through an automated scoring system. Utilizing variant allele frequency, disease prevalence and penetrance estimates, and inheritance mode, an automated score was calculated to assess if this variant is too frequent to cause the disease. Based on the score and internal cut-off values, a variant classified as likely benign is not then subjected to further curation. The score for this variant resulted in a classification of likely benign for this disease.

Clinical Genetics DNA and cytogenetics Diagnostics Lab, Erasmus MC, Erasmus Medical Center
Classification: Likely benign for Neurodegeneration with brain iron accumulation 4. Last evaluated: 2017-06-28. Review status: criteria provided, single submitter. Criteria: ACGS Guidelines, 2013. Collection method: clinical testing. Allele origin: germline. Affected: yes. Study: VKGL Data-share Consensus.

Eurofins Ntd Llc (ga)
Classification: Benign. Last evaluated: 2016-06-30. Review status: criteria provided, single submitter. Criteria: EGL Classification Definitions 2015. Collection method: clinical testing. Allele origin: germline. Observed: 1 variant allele, 1 heterozygote.

Breakthrough Genomics
Classification: Likely benign. Review status: criteria provided, single submitter. Criteria: ACMG Guidelines, 2015. Collection method: not provided. Allele origin: germline. Inheritance: Autosomal recessive inheritance. Affected: yes.

Genome Diagnostics Laboratory, Amsterdam University Medical Center
Classification: Likely benign for Neurodegeneration with brain iron accumulation 4. Last evaluated: 2016-09-21. Review status: no assertion criteria provided. Criteria: ACGS Guidelines, 2013. Collection method: clinical testing. Allele origin: germline. Affected: yes. Study: VKGL Data-share Consensus. Not counted in ClinVar's aggregate classification.

Diagnostic Laboratory, Department of Genetics, University Medical Center Groningen
Classification: Likely benign for Neurodegeneration with brain iron accumulation 4. Review status: no assertion criteria provided. Collection method: clinical testing. Allele origin: germline. Affected: yes. Study: VKGL Data-share Consensus. Not counted in ClinVar's aggregate classification.

Genome Diagnostics Laboratory, Amsterdam University Medical Center
Classification: Benign. Review status: no assertion criteria provided. Collection method: clinical testing. Allele origin: germline. Affected: yes. Study: VKGL Data-share Consensus. Not counted in ClinVar's aggregate classification.

NM_031448.6(C19orf12):c.69G>A (p.Ala23=)

Gene: C19orf12 (chromosome 19 open reading frame 12; minus strand). Cytogenetic location: 19q12.
Variant type: single nucleotide variant.
Coding change: c.69G>A on transcript NM_031448.6 (MANE Select); coding-DNA position 69, G replaced by A.
Protein change: p.Ala23=; no amino-acid change (alanine 23 retained).
Molecular consequence: synonymous variant. On other transcripts: 5 prime UTR variant (1), intron variant (2).
Genome position (GRCh38, 1-based): chr19:29,708,345, C>T on the plus strand (G>A on the coding strand, the complement: C19orf12 is on the minus strand). VCF-style: chr19-29708345-C-T. GRCh37 (hg19) VCF-style: chr19-30199252-C-T.
Other names: p.Ala34=; c.69G>A, p.Ala23= (NM_001031726.4, NM_001256046.3, NM_001256047.2); c.-245G>A (NM_001282931.3); c.-32-5368G>A (NM_001282929.1, NM_001282930.3).
Identifiers: ClinVar variation 238219 (VCV000238219.67), dbSNP rs201118405, ClinGen allele CA9351990.
Genomic context (GRCh38, chr19:29,708,345, plus strand): 5'-ACCCCCGACGAAGGCCATGGCCCCTGTGACCAGGGCACCCTTCCCAGAGTGCTTGACAGC[C>T]GCCTTCATCTTCCTCTCCCCAGAAAGGGAGCACAGCAGCTTCATGATGTCCTCCACCATG-3'
Protein context (NP_113636.2, residues 13-33): CSLSGERKMK[Ala23=]AVKHSGKGAL